The following is an entry in ClinVar:

NM_001005242.3(PKP2):c.519G>A (p.Gln173=)

Gene: PKP2 (plakophilin 2; minus strand). Cytogenetic location: 12p11.21.
Variant type: single nucleotide variant.
Coding change: c.519G>A on transcript NM_001005242.3 (MANE Select); coding-DNA position 519, G replaced by A.
Protein change: p.Gln173=; no amino-acid change (glutamine 173 retained).
Molecular consequence: synonymous variant.
Genome position (GRCh38, 1-based): chr12:32,878,361, C>T on the plus strand (G>A on the coding strand, the complement: PKP2 is on the minus strand). VCF-style: chr12-32878361-C-T. GRCh37 (hg19) VCF-style: chr12-33031295-C-T.
Other names: c.519G>A, p.Gln173= (NM_001407155.1, NM_001407156.1, NM_001407157.1 and 2 more transcripts); c.192G>A, p.Gln64= (NM_001407158.1, NM_001407159.1, NM_001407160.1 and 1 more transcripts).
Identifiers: ClinVar variation 3070344 (VCV003070344.2), dbSNP rs1387606757, ClinGen allele CA479387878.

ClinVar aggregate classification (germline): Likely benign. Review status: criteria provided, multiple submitters, no conflicts (2 of 4 stars). 2 submissions from 2 submitters: Likely benign (2). Last evaluated 2023-04-10.

Conditions:
Cardiomyopathy (CMYO). Also called: Cardiomyopathies. Identifiers: Orphanet 167848, MedGen C0878544, MONDO:0004994, HP:0001638. Inheritance: Various modes of inheritance.
Arrhythmogenic right ventricular cardiomyopathy (ARVD). Also called: Arrhythmogenic right ventricular dysplasia; Cardiomyopathy, ARVC; Arrhythmogenic cardiomyopathy; Arrhythmogenic Right Ventricular Cardiomyopathy (ARVC). Identifiers: Orphanet 247, MedGen C0349788, MeSH D019571, MONDO:0016587. Disease mechanism: loss of function. Inheritance: Various modes of inheritance.

Allele frequency attached by ClinVar (database versions not stated): TOPMed below 0.00001.

Submissions (2):

All of Us Research Program, National Institutes of Health
Classification: Likely benign for Arrhythmogenic right ventricular cardiomyopathy. Last evaluated: 2023-04-10. Review status: criteria provided, single submitter. Criteria: ACMG Guidelines, 2015. Collection method: clinical testing. Allele origin: germline. Inheritance: Autosomal dominant inheritance. Observed: 1 variant allele, 1 heterozygote.
Comment: This study involves interpretation of variants in research participants for the purpose of population health screening. Participant phenotype was not available at the time of variant classification. Additional details can be found in publication PMID: 35346344, PMCID: PMC8962531

Color Diagnostics, LLC DBA Color Health
Classification: Likely benign for Cardiomyopathy. Last evaluated: 2022-11-06. Review status: criteria provided, single submitter. Criteria: ACMG Guidelines, 2015. Collection method: clinical testing. Allele origin: germline.